The following is an entry in ClinVar:

ClinVar aggregate classification (germline): Uncertain significance. Review status: criteria provided, multiple submitters, no conflicts (2 of 4 stars). 2 submissions from 2 submitters: Uncertain significance (2). Last evaluated 2026-01-06.

Conditions:
Familial adenomatous polyposis 1 (FAP1). Also called: FAMILIAL ADENOMATOUS POLYPOSIS 1, ATTENUATED; POLYPOSIS, ADENOMATOUS INTESTINAL. Identifiers: MedGen C2713442, MONDO:0021056, OMIM 175100. Disease mechanism: loss of function.

Allele frequency attached by ClinVar (database versions not stated): TOPMed 0.00002.

Submissions (2):

Labcorp Genetics (formerly Invitae), Labcorp
Classification: Uncertain significance for Familial adenomatous polyposis 1. Last evaluated: 2026-01-06. Review status: criteria provided, single submitter. Criteria: Invitae Variant Classification Sherloc (09022015). Collection method: clinical testing. Allele origin: germline.
Comment: This variant occurs in a non-coding region of the APC gene. It does not change the encoded amino acid sequence of the APC protein. This variant is not present in population databases (gnomAD no frequency). This variant has not been reported in the literature in individuals affected with APC-related conditions. ClinVar contains an entry for this variant (Variation ID: 537701). Experimental studies and prediction algorithms are not available or were not evaluated, and the functional significance of this variant is currently unknown. In summary, the available evidence is currently insufficient to determine the role of this variant in disease. Therefore, it has been classified as a Variant of Uncertain Significance.

Center for Genomic Medicine, Rigshospitalet, Copenhagen University Hospital
Classification: Uncertain significance. Last evaluated: 2025-03-04. Review status: criteria provided, single submitter. Criteria: ACMG Guidelines, 2015. Collection method: clinical testing. Allele origin: germline.

NC_000005.10:g.112707409G>C

Gene: APC (APC regulator of Wnt signaling pathway; plus strand). Cytogenetic location: 5q22.2.
Variant type: single nucleotide variant.
Genome position: GRCh38 VCF-style: chr5-112707409-G-C. GRCh37 (hg19) VCF-style: chr5-112043106-G-C.
Other names: c.-309G>C (NM_001354897.2).
Identifiers: ClinVar variation 537701 (VCV000537701.10), dbSNP rs1020543876, ClinGen allele CA658796593.